The following is an entry in ClinVar:

ClinVar aggregate classification (germline): Uncertain significance (1 of 4 stars; one submission).

Submission:

Labcorp Genetics (formerly Invitae), Labcorp
Classification: Uncertain significance. Last evaluated: 2023-04-20. Review status: criteria provided, single submitter. Criteria: Invitae Variant Classification Sherloc (09022015). Collection method: clinical testing. Allele origin: germline.
Comment: This variant has not been reported in the literature in individuals affected with SORL1-related conditions. This sequence change replaces histidine, which is basic and polar, with aspartic acid, which is acidic and polar, at codon 657 of the SORL1 protein (p.His657Asp). This variant is not present in population databases (gnomAD no frequency). An algorithm developed to predict the effect of missense changes on protein structure and function (PolyPhen-2) suggests that this variant is likely to be disruptive. In summary, the available evidence is currently insufficient to determine the role of this variant in disease. Therefore, it has been classified as a Variant of Uncertain Significance.

NM_003105.6(SORL1):c.1969C>G (p.His657Asp)

Gene: SORL1 (sortilin related receptor 1; plus strand). Cytogenetic location: 11q24.1.
Variant type: single nucleotide variant.
Coding change: c.1969C>G on transcript NM_003105.6 (MANE Select); coding-DNA position 1969, C replaced by G.
Protein change: p.His657Asp; replaces histidine 657 with aspartic acid.
Molecular consequence: missense variant.
Genome position (GRCh38, 1-based): chr11:121,545,347, C>G. VCF-style: chr11-121545347-C-G. GRCh37 (hg19) VCF-style: chr11-121416056-C-G.
Other names: short protein forms H657D.
Identifiers: ClinVar variation 2857832 (VCV002857832.3), dbSNP rs1862409933, ClinGen allele CA383030408.